The following is an entry in ClinVar:

ClinVar aggregate classification (germline): Uncertain significance (1 of 4 stars; one submission).

Conditions:
Familial adenomatous polyposis 1 (FAP1). Also called: POLYPOSIS, ADENOMATOUS INTESTINAL; FAMILIAL ADENOMATOUS POLYPOSIS 1, ATTENUATED. Identifiers: MedGen C2713442, MONDO:0021056, OMIM 175100. Disease mechanism: loss of function.

Submission:

Labcorp Genetics (formerly Invitae), Labcorp
Classification: Uncertain significance for Familial adenomatous polyposis 1. Last evaluated: 2023-12-12. Review status: criteria provided, single submitter. Criteria: Invitae Variant Classification Sherloc (09022015). Collection method: clinical testing. Allele origin: germline.
Comment: This variant occurs in a non-coding region of the APC gene. It does not change the encoded amino acid sequence of the APC protein. This variant is not present in population databases (gnomAD no frequency). This variant has not been reported in the literature in individuals affected with APC-related conditions. Experimental studies and prediction algorithms are not available or were not evaluated, and the functional significance of this variant is currently unknown. In summary, the available evidence is currently insufficient to determine the role of this variant in disease. Therefore, it has been classified as a Variant of Uncertain Significance.

NC_000005.10:g.112707353A>G

Gene: APC (APC regulator of Wnt signaling pathway; plus strand). Cytogenetic location: 5q22.2.
Variant type: single nucleotide variant.
Genome position: GRCh38 VCF-style: chr5-112707353-A-G. GRCh37 (hg19) VCF-style: chr5-112043050-A-G.
Identifiers: ClinVar variation 2702354 (VCV002702354.3), dbSNP rs2531730579, ClinGen allele CA2697546380.